The following is an entry in ClinVar:

ClinVar aggregate classification (germline): Uncertain significance. Review status: criteria provided, multiple submitters, no conflicts (2 of 4 stars). 2 submissions from 2 submitters: Uncertain significance (2). Last evaluated 2025-12-01.

Conditions:
Inborn genetic diseases. Identifiers: MedGen C0950123, MeSH D030342.
Familial cold autoinflammatory syndrome 3 (FCAS3). Also called: FAMILIAL ATYPICAL COLD URTICARIA; ANTIBODY DEFICIENCY AND IMMUNE DYSREGULATION, PLCG2-ASSOCIATED. Identifiers: Orphanet 300359, MedGen C3280914, MONDO:0013766, OMIM 614468.

gnomAD v4.1: 4 of 1,613,636 alleles (0.00025%); highest among the groups gnomAD compares: Non-Finnish European, 0.00034%; no homozygotes.

Submissions (2):

Labcorp Genetics (formerly Invitae), Labcorp
Classification: Uncertain significance for Familial cold autoinflammatory syndrome 3. Last evaluated: 2025-12-01. Review status: criteria provided, single submitter. Criteria: Invitae Variant Classification Sherloc (09022015). Collection method: clinical testing. Allele origin: germline.
Comment: This sequence change replaces serine, which is neutral and polar, with threonine, which is neutral and polar, at codon 1079 of the PLCG2 protein (p.Ser1079Thr). This variant is not present in population databases (gnomAD no frequency). This variant has not been reported in the literature in individuals affected with PLCG2-related conditions. ClinVar contains an entry for this variant (Variation ID: 1413571). An algorithm developed to predict the effect of missense changes on protein structure and function (PolyPhen-2) suggests that this variant is likely to be disruptive. Algorithms developed to predict the effect of sequence changes on RNA splicing suggest that this variant may create or strengthen a splice site. In summary, the available evidence is currently insufficient to determine the role of this variant in disease. Therefore, it has been classified as a Variant of Uncertain Significance.

Ambry Genetics
Classification: Uncertain significance for Inborn genetic diseases. Last evaluated: 2025-07-02. Review status: criteria provided, single submitter. Criteria: Ambry Variant Classification Scheme 2023. Collection method: clinical testing. Allele origin: germline.

NM_002661.5(PLCG2):c.3236G>C (p.Ser1079Thr)

Gene: PLCG2 (phospholipase C gamma 2; plus strand). Cytogenetic location: 16q23.3.
Variant type: single nucleotide variant.
Coding change: c.3236G>C on transcript NM_002661.5 (MANE Select); coding-DNA position 3236, G replaced by C.
Protein change: p.Ser1079Thr; replaces serine 1079 with threonine.
Molecular consequence: missense variant.
Genome position (GRCh38, 1-based): chr16:81,938,838, G>C. VCF-style: chr16-81938838-G-C. GRCh37 (hg19) VCF-style: chr16-81972443-G-C.
Other names: c.3236G>C (NM_002661.3); short protein forms S1079T.
Identifiers: ClinVar variation 1413571 (VCV001413571.9), dbSNP rs771514165, ClinGen allele CA396907411.